The following is an entry in ClinVar:

NM_000059.4(BRCA2):c.3375T>A (p.Phe1125Leu)

Gene: BRCA2 (BRCA2 DNA repair associated; plus strand). Cytogenetic location: 13q13.1.
Variant type: single nucleotide variant.
Coding change: c.3375T>A on transcript NM_000059.4 (MANE Select); coding-DNA position 3375, T replaced by A.
Protein change: p.Phe1125Leu; replaces phenylalanine 1125 with leucine.
Molecular consequence: missense variant.
Genome position (GRCh38, 1-based): chr13:32,337,730, T>A. VCF-style: chr13-32337730-T-A. GRCh37 (hg19) VCF-style: chr13-32911867-T-A.
Other names: short protein forms F1125L.
Identifiers: ClinVar variation 823683 (VCV000823683.11), dbSNP rs1593899361, ClinGen allele CA387776412.

ClinVar aggregate classification (germline): Conflicting classifications of pathogenicity. Review status: criteria provided, conflicting classifications (1 of 4 stars). 3 submissions from 3 submitters: Uncertain significance (2); Likely benign (1). Last evaluated 2025-06-10.

Conditions:
Hereditary cancer-predisposing syndrome. Also called: Neoplastic Syndromes, Hereditary; Tumor predisposition; Hereditary neoplastic syndrome; Hereditary Cancer Syndrome. Identifiers: Orphanet 140162, MedGen C0027672, MeSH D009386, MONDO:0015356.
Hereditary breast ovarian cancer syndrome. Also called: Hereditary breast and ovarian cancer syndrome; Hereditary breast and ovarian cancer; Hereditary breast and ovarian cancer syndrome (HBOC); Breast and ovarian cancer; Hereditary breast and/or ovarian cancer syndrome; BRCA1- and BRCA2-Associated Hereditary Breast and Ovarian Cancer. Identifiers: Orphanet 145, MedGen C0677776, MeSH D061325, MONDO:0003582. Disease mechanism: loss of function.

Submissions (3):

Labcorp Genetics (formerly Invitae), Labcorp
Classification: Uncertain significance for Hereditary breast ovarian cancer syndrome. Last evaluated: 2025-06-10. Review status: criteria provided, single submitter. Criteria: Invitae Variant Classification Sherloc (09022015). Collection method: clinical testing. Allele origin: germline.
Comment: This sequence change replaces phenylalanine, which is neutral and non-polar, with leucine, which is neutral and non-polar, at codon 1125 of the BRCA2 protein (p.Phe1125Leu). This variant is not present in population databases (gnomAD no frequency). This variant has not been reported in the literature in individuals affected with BRCA2-related conditions. ClinVar contains an entry for this variant (Variation ID: 823683). Invitae Evidence Modeling of protein sequence and biophysical properties (such as structural, functional, and spatial information, amino acid conservation, physicochemical variation, residue mobility, and thermodynamic stability) indicates that this missense variant is not expected to disrupt BRCA2 protein function with a negative predictive value of 95%. In summary, the available evidence is currently insufficient to determine the role of this variant in disease. Therefore, it has been classified as a Variant of Uncertain Significance.

University of Washington Department of Laboratory Medicine, University of Washington
Classification: Likely benign for Hereditary cancer-predisposing syndrome. Last evaluated: 2023-03-23. Review status: criteria provided, single submitter. Criteria: Dines et al. (Genet Med. 2020). Collection method: curation. Allele origin: germline.
Comment: Missense variant in a coldspot region where missense variants are very unlikely to be pathogenic (PMID:31911673).

BRCA2 exon 11 coldspot. Reclassification based on statistical prior probability.

Ambry Genetics
Classification: Uncertain significance for Hereditary cancer-predisposing syndrome. Last evaluated: 2019-06-18. Review status: criteria provided, single submitter. Criteria: Ambry Variant Classification Scheme 2023. Collection method: clinical testing. Allele origin: germline.
Comment: The p.F1125L variant (also known as c.3375T>A), located in coding exon 10 of the BRCA2 gene, results from a T to A substitution at nucleotide position 3375. The phenylalanine at codon 1125 is replaced by leucine, an amino acid with highly similar properties. This amino acid position is highly conserved in available vertebrate species. In addition, the in silico prediction for this alteration is inconclusive. Since supporting evidence is limited at this time, the clinical significance of this alteration remains unclear.